The following is an entry in ClinVar:

ClinVar aggregate classification (germline): Uncertain significance. Review status: criteria provided, multiple submitters, no conflicts (2 of 4 stars). 3 submissions from 3 submitters: Uncertain significance (3). Last evaluated 2024-11-23.

Conditions:
Inborn genetic diseases. Identifiers: MedGen C0950123, MeSH D030342.

Allele frequency attached by ClinVar (database versions not stated): gnomAD exomes below 0.00001.
gnomAD v4.1: 6 of 1,613,374 alleles (0.00037%); highest among the groups gnomAD compares: Non-Finnish European, 0.00051%; no homozygotes.

Submissions (3):

Ambry Genetics
Classification: Uncertain significance for Inborn genetic diseases. Last evaluated: 2024-11-23. Review status: criteria provided, single submitter. Criteria: Ambry Variant Classification Scheme 2023. Collection method: clinical testing. Allele origin: germline.
Comment: The p.F1268L variant (also known as c.3802T>C), located in coding exon 1 of the SAMD9L gene, results from a T to C substitution at nucleotide position 3802. The phenylalanine at codon 1268 is replaced by leucine, an amino acid with highly similar properties. This amino acid position is conserved. In addition, this alteration is predicted to be tolerated by in silico analysis. Based on the available evidence, the clinical significance of this variant remains unclear.

GeneDx
Classification: Uncertain significance. Last evaluated: 2024-04-25. Review status: criteria provided, single submitter. Criteria: GeneDx Variant Classification Process June 2021. Collection method: clinical testing. Allele origin: germline. Affected: yes.
Comment: Not observed at significant frequency in large population cohorts (gnomAD); In silico analysis indicates that this missense variant does not alter protein structure/function; Has not been previously published as pathogenic or benign to our knowledge

Genetic Services Laboratory, University of Chicago
Classification: Uncertain significance. Last evaluated: 2018-08-01. Review status: criteria provided, single submitter. Criteria: ACMG Guidelines, 2015. Collection method: clinical testing. Allele origin: germline. Affected: no.

NM_152703.5(SAMD9L):c.3802T>C (p.Phe1268Leu)

Gene: SAMD9L (sterile alpha motif domain containing 9 like; minus strand). Cytogenetic location: 7q21.2.
Variant type: single nucleotide variant.
Coding change: c.3802T>C on transcript NM_152703.5 (MANE Select); coding-DNA position 3802, T replaced by C.
Protein change: p.Phe1268Leu; replaces phenylalanine 1268 with leucine.
Molecular consequence: missense variant.
Genome position (GRCh38, 1-based): chr7:93,132,170, A>G on the plus strand (T>C on the coding strand, the complement: SAMD9L is on the minus strand). VCF-style: chr7-93132170-A-G. GRCh37 (hg19) VCF-style: chr7-92761483-A-G.
Other names: c.3802T>C, p.Phe1268Leu (NM_001303496.3, NM_001303497.3, NM_001303498.3 and 5 more transcripts); c.3802T>C (NM_152703.3, NM_152703.2); short protein forms F1268L.
Identifiers: ClinVar variation 1336790 (VCV001336790.6), dbSNP rs2116475794, ClinGen allele CA368179957.